The following is an entry in ClinVar:

ClinVar aggregate classification (germline): Uncertain significance. Review status: criteria provided, multiple submitters, no conflicts (2 of 4 stars). 3 submissions from 3 submitters: Uncertain significance (3). Last evaluated 2025-09-26.

Conditions:
Inborn genetic diseases. Identifiers: MedGen C0950123, MeSH D030342.

Allele frequency attached by ClinVar (database versions not stated): gnomAD 0.00002; gnomAD exomes 0.00002; TOPMed 0.00002; ExAC 0.00003; ESP Exome Variant Server 0.00008.
gnomAD v4.1: 38 of 1,613,104 alleles (0.0024%); highest among the groups gnomAD compares: Non-Finnish European, 0.003%; no homozygotes.

Submissions (3):

Ambry Genetics
Classification: Uncertain significance for Inborn genetic diseases. Last evaluated: 2025-09-26. Review status: criteria provided, single submitter. Criteria: Ambry Variant Classification Scheme 2023. Collection method: clinical testing. Allele origin: germline.

Labcorp Genetics (formerly Invitae), Labcorp
Classification: Uncertain significance. Last evaluated: 2022-10-22. Review status: criteria provided, single submitter. Criteria: Invitae Variant Classification Sherloc (09022015). Collection method: clinical testing. Allele origin: germline.
Comment: This sequence change replaces methionine, which is neutral and non-polar, with threonine, which is neutral and polar, at codon 713 of the PDE6B protein (p.Met713Thr). This variant is present in population databases (rs371322951, gnomAD 0.006%). This variant has not been reported in the literature in individuals affected with PDE6B-related conditions. ClinVar contains an entry for this variant (Variation ID: 1374626). Advanced modeling of protein sequence and biophysical properties (such as structural, functional, and spatial information, amino acid conservation, physicochemical variation, residue mobility, and thermodynamic stability) has been performed at Invitae for this missense variant, however the output from this modeling did not meet the statistical confidence thresholds required to predict the impact of this variant on PDE6B protein function. In summary, the available evidence is currently insufficient to determine the role of this variant in disease. Therefore, it has been classified as a Variant of Uncertain Significance.

Blueprint Genetics
Classification: Uncertain significance. Last evaluated: 2021-10-19. Review status: criteria provided, single submitter. Criteria: ACMG Guidelines, 2015. Collection method: clinical testing. Allele origin: germline.

NM_000283.4(PDE6B):c.2138T>C (p.Met713Thr)

Gene: PDE6B (phosphodiesterase 6B; plus strand). Cytogenetic location: 4p16.3.
Variant type: single nucleotide variant.
Coding change: c.2138T>C on transcript NM_000283.4 (MANE Select); coding-DNA position 2138, T replaced by C.
Protein change: p.Met713Thr; replaces methionine 713 with threonine.
Molecular consequence: missense variant.
Genome position (GRCh38, 1-based): chr4:664,889, T>C. VCF-style: chr4-664889-T-C. GRCh37 (hg19) VCF-style: chr4-658678-T-C.
Other names: c.2138T>C, p.Met713Thr (NM_001145291.2); c.1301T>C, p.Met434Thr (NM_001145292.2, NM_001350154.3, NM_001379246.1 and 1 more transcripts); c.983T>C, p.Met328Thr (NM_001350155.3); c.2138T>C (NM_000283.3); short protein forms M434T, M713T, M328T.
Identifiers: ClinVar variation 1374626 (VCV001374626.8), dbSNP rs371322951, ClinGen allele CA2794907.